The following is an entry in ClinVar:

NM_024407.5(NDUFS7):c.313C>T (p.Arg105Cys)

Gene: NDUFS7 (NADH:ubiquinone oxidoreductase core subunit S7; plus strand). Cytogenetic location: 19p13.3.
Variant type: single nucleotide variant.
Coding change: c.313C>T on transcript NM_024407.5 (MANE Select); coding-DNA position 313, C replaced by T.
Protein change: p.Arg105Cys; replaces arginine 105 with cysteine.
Molecular consequence: missense variant.
Genome position (GRCh38, 1-based): chr19:1,390,955, C>T. VCF-style: chr19-1390955-C-T. GRCh37 (hg19) VCF-style: chr19-1390954-C-T.
Other names: c.313C>T, p.Arg105Cys (NM_001363602.2); short protein forms R105C.
Identifiers: ClinVar variation 3895702 (VCV003895702.1).
Genomic context (GRCh38, chr19:1,390,955, plus strand): 5'-GGCCTGGCCTGCTGCGCCGTGGAGATGATGCACATGGCAGCACCCCGCTACGACATGGAC[C>T]GCTTTGGCGTGGTCTTCCGCGCCAGCCCGCGCCAGTCCGACGTCATGATCGTGGCCGGCA-3'
Protein context (NP_077718.3, residues 95-115): HMAAPRYDMD[Arg105Cys]FGVVFRASPR

ClinVar aggregate classification (germline): Uncertain significance (1 of 4 stars; one submission).

gnomAD v4.1: 5 of 1,612,738 alleles (0.00031%); highest among the groups gnomAD compares: East Asian, 0.0022%; no homozygotes.

Submission:

Women's Health and Genetics/Laboratory Corporation of America, LabCorp
Classification: Uncertain significance. Last evaluated: 2025-03-12. Review status: criteria provided, single submitter. Criteria: LabCorp Variant Classification Summary - May 2015. Collection method: clinical testing. Allele origin: germline.
Comment: Variant summary: NDUFS7 c.313C>T (p.Arg105Cys) results in a non-conservative amino acid change located in the NADH ubiquinone oxidoreductase, 20 Kd subunit domain (IPR006137) of the encoded protein sequence. Five of five in-silico tools predict a damaging effect of the variant on protein function. The variant allele was found at a frequency of 8e-06 in 249740 control chromosomes. c.313C>T has been reported in the literature in one individual affected with sporadic-onset cerebellar ataxia (Fogel_2014). These data indicate that the variant may be associated with disease. To our knowledge, no experimental evidence demonstrating an impact on protein function has been reported. The following publication has been ascertained in the context of this evaluation (PMID: 25133958). No submitters have cited clinical-significance assessments for this variant to ClinVar. Based on the evidence outlined above, the variant was classified as VUS-possibly pathogenic.

Literature cited by the submitters: PubMed 25133958.